The following is an entry in ClinVar:

ClinVar aggregate classification (germline): Uncertain significance (1 of 4 stars; one submission).

Conditions:
Juvenile polyposis syndrome (JPS). Identifiers: Orphanet 2929, MedGen C0345893, MONDO:0017380, OMIM 174900.

Submission:

Labcorp Genetics (formerly Invitae), Labcorp
Classification: Uncertain significance for Juvenile polyposis syndrome. Last evaluated: 2020-11-04. Review status: criteria provided, single submitter. Criteria: Invitae Variant Classification Sherloc (09022015). Collection method: clinical testing. Allele origin: germline.
Comment: In summary, the available evidence is currently insufficient to determine the role of this variant in disease. Therefore, it has been classified as a Variant of Uncertain Significance. Advanced modeling of protein sequence and biophysical properties (such as structural, functional, and spatial information, amino acid conservation, physicochemical variation, residue mobility, and thermodynamic stability) performed at Invitae indicates that this missense variant is not expected to disrupt SMAD4 protein function. This variant has not been reported in the literature in individuals with SMAD4-related conditions. This variant is not present in population databases (ExAC no frequency). This sequence change replaces glutamine with arginine at codon 549 of the SMAD4 protein (p.Gln549Arg). The glutamine residue is moderately conserved and there is a small physicochemical difference between glutamine and arginine.

NM_005359.6(SMAD4):c.1646A>G (p.Gln549Arg)

Gene: SMAD4 (SMAD family member 4; plus strand). Cytogenetic location: 18q21.2.
Variant type: single nucleotide variant.
Coding change: c.1646A>G on transcript NM_005359.6 (MANE Select); coding-DNA position 1646, A replaced by G.
Protein change: p.Gln549Arg; replaces glutamine 549 with arginine.
Molecular consequence: missense variant.
Genome position (GRCh38, 1-based): chr18:51,078,454, A>G. VCF-style: chr18-51078454-A-G. GRCh37 (hg19) VCF-style: chr18-48604824-A-G.
Other names: short protein forms Q549R.
Identifiers: ClinVar variation 1476954 (VCV001476954.8), dbSNP rs2144479787, ClinGen allele CA402466220.